The following is an entry in ClinVar:

ClinVar aggregate classification (germline): Benign/Likely benign. Review status: criteria provided, multiple submitters, no conflicts (2 of 4 stars). 5 submissions from 5 submitters: Benign (1); Likely benign (3). 1 of the submissions does not count toward it. Last evaluated 2026-01-27.

Conditions:
Ullrich congenital muscular dystrophy 2 (UCMD2). Identifiers: Orphanet 75840, MedGen C4225314, MONDO:0014654, OMIM 616470.
Bethlem myopathy 2 (BTHLM2). Identifiers: Orphanet 536516, Orphanet 610, MedGen C4225313, MONDO:0034022, OMIM 616471.
COL12A1-related disorder. Also called: COL12A1-related condition.

Allele frequency attached by ClinVar (database versions not stated): gnomAD exomes 0.00007 and 0.00020; 1000 Genomes Project 30x 0.00016; 1000 Genomes Project 0.00020; ExAC 0.00027; gnomAD 0.00091 and 0.00103; ESP Exome Variant Server 0.00099; TOPMed 0.00104.
gnomAD v4.1: 250 of 1,614,026 alleles (0.015%); highest among the groups gnomAD compares: African/African-American, 0.31%; 1 homozygote.

Submissions (5):

Labcorp Genetics (formerly Invitae), Labcorp
Classification: Benign for Bethlem myopathy 2; Ullrich congenital muscular dystrophy 2. Last evaluated: 2026-01-27. Review status: criteria provided, single submitter. Criteria: Invitae Variant Classification Sherloc (09022015). Collection method: clinical testing. Allele origin: germline.

Mayo Clinic Laboratories, Mayo Clinic
Classification: Likely benign. Last evaluated: 2025-02-14. Review status: criteria provided, single submitter. Criteria: ACMG Guidelines, 2015. Collection method: clinical testing. Allele origin: germline. Observed: 2 variant alleles.
Comment: BS1, BP4, BP7

Blueprint Genetics
Classification: Likely benign. Last evaluated: 2024-07-05. Review status: criteria provided, single submitter. Criteria: ACMG Guidelines, 2015. Collection method: clinical testing. Allele origin: germline.

GeneDx
Classification: Likely benign. Last evaluated: 2019-06-26. Review status: criteria provided, single submitter. Criteria: GeneDx Variant Classification Process June 2021. Collection method: clinical testing. Allele origin: germline. Affected: yes.

PreventionGenetics, part of Exact Sciences
Classification: Likely benign for COL12A1-related condition. Last evaluated: 2022-12-08. Review status: no assertion criteria provided. Collection method: clinical testing. Allele origin: germline. Not counted in ClinVar's aggregate classification.
Comment: This variant is classified as likely benign based on ACMG/AMP sequence variant interpretation guidelines (Richards et al. 2015 PMID: 25741868, with internal and published modifications).

NM_004370.6(COL12A1):c.8421C>T (p.Arg2807=)

Gene: COL12A1 (collagen type XII alpha 1 chain; minus strand). Cytogenetic location: 6q13.
Variant type: single nucleotide variant.
Coding change: c.8421C>T on transcript NM_004370.6 (MANE Select); coding-DNA position 8421, C replaced by T.
Protein change: p.Arg2807=; no amino-acid change (arginine 2807 retained).
Molecular consequence: synonymous variant.
Genome position (GRCh38, 1-based): chr6:75,102,047, G>A on the plus strand (C>T on the coding strand, the complement: COL12A1 is on the minus strand). VCF-style: chr6-75102047-G-A. GRCh37 (hg19) VCF-style: chr6-75811763-G-A.
Other names: p.Arg2807=; c.4929C>T, p.Arg1643= (NM_080645.3).
Identifiers: ClinVar variation 475901 (VCV000475901.19), dbSNP rs371949188, ClinGen allele CA3892268.
Genomic context (GRCh38, chr6:75,102,047, plus strand): 5'-AGACCAACTCACTGTTCGGCCTGGAAGTCCTGGCTCTCCAGCATCACCTTTCATCCCTTG[G>A]CGACCCTAGAGTGAGCAATGGGAAAACAGTTCTCAGGCGTTTCACAGAGATTAAGCAAAA-3'
Protein context (NP_004361.3, residues 2797-2817): NGLSIPGEQG[Arg2807=]QGMKGDAGEP